The following is an entry in ClinVar:

ClinVar aggregate classification (germline): Uncertain significance (1 of 4 stars; one submission).

Conditions:
Multiple congenital anomalies-hypotonia-seizures syndrome 2 (MCAHS2). Also called: EPILEPTIC ENCEPHALOPATHY, EARLY INFANTILE, 20; GLYCOSYLPHOSPHATIDYLINOSITOL BIOSYNTHESIS DEFECT 4. Identifiers: Orphanet 300496, MedGen C3275508, MONDO:0010466, OMIM 300868.

Allele frequency attached by ClinVar (database versions not stated): gnomAD exomes below 0.00001.

Submission:

Labcorp Genetics (formerly Invitae), Labcorp
Classification: Uncertain significance for Multiple congenital anomalies-hypotonia-seizures syndrome 2. Last evaluated: 2017-10-03. Review status: criteria provided, single submitter. Criteria: Invitae Variant Classification Sherloc (09022015). Collection method: clinical testing. Allele origin: germline.
Comment: In summary, the available evidence is currently insufficient to determine the role of this variant in disease. Therefore, it has been classified as a Variant of Uncertain Significance. Algorithms developed to predict the effect of missense changes on protein structure and function do not agree on the potential impact of this missense change (SIFT: "Tolerated"; PolyPhen-2: "Possibly Damaging"; Align-GVGD: "Class C0"). This variant has not been reported in the literature in individuals with PIGA-related disease. This variant is not present in population databases (ExAC no frequency). This sequence change replaces valine with isoleucine at codon 38 of the PIGA protein (p.Val38Ile). The valine residue is highly conserved and there is a small physicochemical difference between valine and isoleucine.

NM_002641.4(PIGA):c.112G>A (p.Val38Ile)

Gene: PIGA (phosphatidylinositol glycan anchor biosynthesis class A; minus strand). Cytogenetic location: Xp22.2.
Variant type: single nucleotide variant.
Coding change: c.112G>A on transcript NM_002641.4 (MANE Select); coding-DNA position 112, G replaced by A.
Protein change: p.Val38Ile; replaces valine 38 with isoleucine.
Molecular consequence: missense variant. On other transcripts: non-coding transcript variant (1), intron variant (1).
Genome position (GRCh38, 1-based): chrX:15,331,819, C>T on the plus strand (G>A on the coding strand, the complement: PIGA is on the minus strand). VCF-style: chrX-15331819-C-T. GRCh37 (hg19) VCF-style: chrX-15349941-C-T.
Other names: c.13+3682G>A (NM_020473.3); short protein forms V38I.
Identifiers: ClinVar variation 539321 (VCV000539321.9), dbSNP rs1555945533, ClinGen allele CA412341231.